The following is an entry in ClinVar:

NM_001267550.2(TTN):c.77064G>T (p.Gln25688His)

Genes: TTN-AS1 (TTN antisense RNA 1; plus strand), TTN (titin; minus strand). Cytogenetic location: 2q31.2.
Variant type: single nucleotide variant.
Coding change: c.77064G>T on transcript NM_001267550.2 (MANE Select); coding-DNA position 77064, G replaced by T.
Protein change: p.Gln25688His; replaces glutamine 25688 with histidine.
Molecular consequence: missense variant.
Genome position (GRCh38, 1-based): chr2:178,569,068, C>A on the plus strand (G>T on the coding strand, the complement: TTN is on the minus strand). VCF-style: chr2-178569068-C-A. GRCh37 (hg19) VCF-style: chr2-179433795-C-A.
Other names: c.72141G>T, p.Gln24047His (NM_001256850.1); c.49869G>T, p.Gln16623His (NM_003319.4); c.69360G>T, p.Gln23120His (NM_133378.4); c.50244G>T, p.Gln16748His (NM_133432.3); c.50445G>T, p.Gln16815His (NM_133437.4); short protein forms Q16623H, Q16748H, Q16815H, Q23120H, Q24047H, Q25688H.
Identifiers: ClinVar variation 1304521 (VCV001304521.2), dbSNP rs2154167487, ClinGen allele CA349612702.

ClinVar aggregate classification (germline): Uncertain significance (1 of 4 stars; one submission).

Submission:

GeneDx
Classification: Uncertain significance. Last evaluated: 2019-01-31. Review status: criteria provided, single submitter. Criteria: GeneDx Variant Classification Process June 2021. Collection method: clinical testing. Allele origin: germline. Affected: yes.
Comment: Has not been previously published as pathogenic or benign to our knowledge; Not observed [at a significant frequency] in large population cohorts (Lek et al., 2016; McVean et al., 2012; Exome Variant Server); Missense variant in a gene in which most reported pathogenic variants are truncating/loss-of-function